The following is an entry in ClinVar:

NM_000038.6(APC):c.1549-14T>C

Gene: APC (APC regulator of Wnt signaling pathway; plus strand). Cytogenetic location: 5q22.2.
Variant type: single nucleotide variant.
Coding change: c.1549-14T>C on transcript NM_000038.6 (MANE Select); 14 bases into the intron before coding-DNA position 1549, T replaced by C.
Molecular consequence: intron variant.
Genome position (GRCh38, 1-based): chr5:112,827,915, T>C. VCF-style: chr5-112827915-T-C. GRCh37 (hg19) VCF-style: chr5-112163612-T-C.
Other names: c.1549-14T>C (NM_001354895.2, NM_001127510.3); c.1579-14T>C (NM_001354897.2); c.1276-14T>C (NM_001354902.2); c.1495-14T>C (NM_001127511.3); c.1474-14T>C (NM_001354898.2); c.1171-14T>C (NM_001354904.2); c.700-14T>C (NM_001354906.2); c.1603-14T>C (NM_001354896.2); and 5 more.
Identifiers: ClinVar variation 490211 (VCV000490211.13), dbSNP rs761211430, ClinGen allele CA028264.
Genomic context (GRCh38, chr5:112,827,915, plus strand): 5'-ATTTAGTAGCCAAAAATAAAGCTTGGCTTCAAGTTGTCTTTTTAATGATCCTCTATTCTG[T>C]ATTTAATTTACAGGCTACGCTATGCTCTATGAAAGGCTGCATGAGAGCACTTGTGGCCCA-3'

ClinVar aggregate classification (germline): Benign/Likely benign. Review status: criteria provided, multiple submitters, no conflicts (2 of 4 stars). 3 submissions from 3 submitters: Benign (2); Likely benign (1). Last evaluated 2025-12-06.

Conditions:
Familial adenomatous polyposis 1 (FAP1). Also called: POLYPOSIS, ADENOMATOUS INTESTINAL; FAMILIAL ADENOMATOUS POLYPOSIS 1, ATTENUATED. Identifiers: MedGen C2713442, MONDO:0021056, OMIM 175100. Disease mechanism: loss of function.
Hereditary cancer-predisposing syndrome. Also called: Hereditary Cancer Syndrome; Neoplastic Syndromes, Hereditary; Tumor predisposition; Hereditary neoplastic syndrome. Identifiers: Orphanet 140162, MedGen C0027672, MeSH D009386, MONDO:0015356.

Allele frequency attached by ClinVar (database versions not stated): gnomAD below 0.00001 and 0.00001; TOPMed 0.00001; gnomAD exomes 0.00007 and 0.00017; ExAC 0.00019.
gnomAD v4.1: 110 of 1,608,828 alleles (0.0068%); highest among the groups gnomAD compares: South Asian, 0.12%; 1 homozygote.

Submissions (3):

Labcorp Genetics (formerly Invitae), Labcorp
Classification: Benign for Familial adenomatous polyposis 1. Last evaluated: 2025-12-06. Review status: criteria provided, single submitter. Criteria: Invitae Variant Classification Sherloc (09022015). Collection method: clinical testing. Allele origin: germline.

Myriad Genetics, Inc.
Classification: Benign for Familial adenomatous polyposis 1. Last evaluated: 2025-02-04. Review status: criteria provided, single submitter. Criteria: Myriad Autosomal Dominant, Autosomal Recessive and X-Linked Classification Criteria (2023). Collection method: clinical testing. Allele origin: unknown.
Comment: This variant is considered benign. This variant is intronic and is not expected to impact mRNA splicing. This variant has been observed at a population frequency that is significantly greater than expected given the associated disease prevalence and penetrance.

Color Diagnostics, LLC DBA Color Health
Classification: Likely benign for Hereditary cancer-predisposing syndrome. Last evaluated: 2016-08-05. Review status: criteria provided, single submitter. Criteria: ACMG Guidelines, 2015. Collection method: clinical testing. Allele origin: germline.